The following is an entry in ClinVar:

NM_002691.4(POLD1):c.3073G>C (p.Val1025Leu)

Gene: POLD1 (DNA polymerase delta 1, catalytic subunit; plus strand). Cytogenetic location: 19q13.33.
Variant type: single nucleotide variant.
Coding change: c.3073G>C on transcript NM_002691.4 (MANE Select); coding-DNA position 3073, G replaced by C.
Protein change: p.Val1025Leu; replaces valine 1025 with leucine.
Molecular consequence: missense variant. On other transcripts: non-coding transcript variant (1).
Genome position (GRCh38, 1-based): chr19:50,417,050, G>C. VCF-style: chr19-50417050-G-C. GRCh37 (hg19) VCF-style: chr19-50920307-G-C.
Other names: c.3073G>C, p.Val1025Leu (NM_001256849.1); c.3151G>C, p.Val1051Leu (NM_001308632.1); short protein forms V1025L, V1051L.
Identifiers: ClinVar variation 577394 (VCV000577394.16), dbSNP rs1060501858, ClinGen allele CA406987057.

ClinVar aggregate classification (germline): Conflicting classifications of pathogenicity. Review status: criteria provided, conflicting classifications (1 of 4 stars). 4 submissions from 4 submitters: Uncertain significance (3); Likely benign (1). Last evaluated 2026-01-27.

Conditions:
Hereditary cancer-predisposing syndrome. Also called: Tumor predisposition; Neoplastic Syndromes, Hereditary; Hereditary Cancer Syndrome; Hereditary neoplastic syndrome. Identifiers: Orphanet 140162, MedGen C0027672, MeSH D009386, MONDO:0015356.
POLD1-related polyposis and colorectal cancer syndrome (CRCS10). Also called: Colorectal cancer 10; COLORECTAL CANCER, SUSCEPTIBILITY TO, ON CHROMOSOME 19q; Colorectal cancer, susceptibility to, 10. Identifiers: Orphanet 220460, MedGen C2675481, MONDO:0012953, OMIM 612591.

Allele frequency attached by ClinVar (database versions not stated): gnomAD 0.00002; TOPMed 0.00002.
gnomAD v4.1: 18 of 1,550,818 alleles (0.0012%); highest among the groups gnomAD compares: African/African-American, 0.0014%; no homozygotes.

Submissions (4):

Labcorp Genetics (formerly Invitae), Labcorp
Classification: Uncertain significance for POLD1-related polyposis and colorectal cancer syndrome. Last evaluated: 2026-01-27. Review status: criteria provided, single submitter. Criteria: Invitae Variant Classification Sherloc (09022015). Collection method: clinical testing. Allele origin: germline.
Comment: This sequence change replaces valine, which is neutral and non-polar, with leucine, which is neutral and non-polar, at codon 1025 of the POLD1 protein (p.Val1025Leu). This variant is present in population databases (no rsID available, gnomAD 0.007%). This variant has not been reported in the literature in individuals affected with POLD1-related conditions. ClinVar contains an entry for this variant (Variation ID: 577394). Invitae Evidence Modeling of protein sequence and biophysical properties (such as structural, functional, and spatial information, amino acid conservation, physicochemical variation, residue mobility, and thermodynamic stability) indicates that this missense variant is not expected to disrupt POLD1 protein function with a negative predictive value of 80%. In summary, the available evidence is currently insufficient to determine the role of this variant in disease. Therefore, it has been classified as a Variant of Uncertain Significance.

GeneDx
Classification: Uncertain significance. Last evaluated: 2025-04-14. Review status: criteria provided, single submitter. Criteria: GeneDx Variant Classification Process June 2021. Collection method: clinical testing. Allele origin: germline.
Comment: Has not been previously published as pathogenic or benign to our knowledge; Not observed at significant frequency in large population cohorts (gnomAD); In silico analysis indicates that this missense variant does not alter protein structure/function; This variant is associated with the following publications: (PMID: 19296856)

Ambry Genetics
Classification: Likely benign for Hereditary cancer-predisposing syndrome. Last evaluated: 2025-02-17. Review status: criteria provided, single submitter. Criteria: Ambry Variant Classification Scheme 2023. Collection method: clinical testing. Allele origin: germline.

Blueprint Genetics
Classification: Uncertain significance. Last evaluated: 2024-04-22. Review status: criteria provided, single submitter. Criteria: ACMG Guidelines, 2015. Collection method: clinical testing. Allele origin: germline.